The following is an entry in ClinVar:

ClinVar aggregate classification (germline): Likely benign. Review status: criteria provided, multiple submitters, no conflicts (2 of 4 stars). 2 submissions from 2 submitters: Likely benign (2). Last evaluated 2026-04-01.

Conditions:
Early-infantile DEE. Also called: Ohtahara syndrome; Early infantile epileptic encephalopathy; Early infantile epileptic encephalopathy with suppression bursts. Identifiers: Orphanet 1934, MedGen C0393706, MONDO:0800491.

Allele frequency attached by ClinVar (database versions not stated): gnomAD exomes 0.00001; TOPMed 0.00001; 1000 Genomes Project 30x 0.00016; 1000 Genomes Project 0.00020; ExAC 0.00001; gnomAD 0.00001.
gnomAD v4.1: 4 of 1,612,222 alleles (0.00025%); highest among the groups gnomAD compares: East Asian, 0.0045%; no homozygotes.

Submissions (2):

CeGaT Center for Human Genetics Tuebingen
Classification: Likely benign. Last evaluated: 2026-04-01. Review status: criteria provided, single submitter. Criteria: CeGaT Center For Human Genetics Tuebingen Variant Classification Criteria Version 2. Collection method: clinical testing. Allele origin: germline. Affected: yes. Observed: 1 variant allele.
Comment: SCN1A: BP4, BP7

Labcorp Genetics (formerly Invitae), Labcorp
Classification: Likely benign for Early-infantile DEE. Last evaluated: 2024-10-21. Review status: criteria provided, single submitter. Criteria: Invitae Variant Classification Sherloc (09022015). Collection method: clinical testing. Allele origin: germline.

NM_001165963.4(SCN1A):c.3651T>C (p.His1217=)

Genes: SCN1A (sodium voltage-gated channel alpha subunit 1; minus strand), LOC102724058 (uncharacterized LOC102724058; plus strand). Cytogenetic location: 2q24.3.
Variant type: single nucleotide variant.
Coding change: c.3651T>C on transcript NM_001165963.4 (MANE Select); coding-DNA position 3651, T replaced by C.
Protein change: p.His1217=; no amino-acid change (histidine 1217 retained).
Molecular consequence: synonymous variant. On other transcripts: non-coding transcript variant (1).
Genome position (GRCh38, 1-based): chr2:166,013,798, A>G on the plus strand (T>C on the coding strand, the complement: SCN1A is on the minus strand). VCF-style: chr2-166013798-A-G. GRCh37 (hg19) VCF-style: chr2-166870308-A-G.
Other names: c.3567T>C, p.His1189= (NM_001353958.2, NM_001165964.3, NM_001353957.2); c.3564T>C, p.His1188= (NM_001353960.2); c.1209T>C, p.His403= (NM_001353961.2); c.3618T>C, p.His1206= (NM_006920.6, NM_001353949.2, NM_001353950.2 and 2 more transcripts); c.3651T>C, p.His1217= (NM_001202435.3, NM_001353948.2); c.3615T>C, p.His1205= (NM_001353954.2, NM_001353955.2).
Identifiers: ClinVar variation 1129103 (VCV001129103.12), dbSNP rs538655845, ClinGen allele CA1942907.